The following is an entry in ClinVar:

ClinVar aggregate classification (germline): Conflicting classifications of pathogenicity. Review status: criteria provided, conflicting classifications (1 of 4 stars). 3 submissions from 3 submitters: Uncertain significance (2); Likely benign (1). Last evaluated 2026-07-01.

gnomAD v4.1: 10 of 1,472,002 alleles (0.00068%); highest among the groups gnomAD compares: Admixed American, 0.017%; no homozygotes.

Submissions (3):

CeGaT Center for Human Genetics Tuebingen
Classification: Likely benign. Last evaluated: 2026-07-01. Review status: criteria provided, single submitter. Criteria: CeGaT Center For Human Genetics Tuebingen Variant Classification Criteria Version 2. Collection method: clinical testing. Allele origin: germline. Affected: yes. Observed: 1 variant allele.
Comment: IARS1: BP4

Labcorp Genetics (formerly Invitae), Labcorp
Classification: Uncertain significance. Last evaluated: 2024-10-17. Review status: criteria provided, single submitter. Criteria: Invitae Variant Classification Sherloc (09022015). Collection method: clinical testing. Allele origin: germline.
Comment: This sequence change replaces glutamine, which is neutral and polar, with histidine, which is basic and polar, at codon 3 of the IARS protein (p.Gln3His). This variant is present in population databases (rs370146889, gnomAD 0.02%). This variant has not been reported in the literature in individuals affected with IARS-related conditions. ClinVar contains an entry for this variant (Variation ID: 1981067). An algorithm developed to predict the effect of missense changes on protein structure and function (PolyPhen-2) suggests that this variant¬†is likely to be tolerated. In summary, the available evidence is currently insufficient to determine the role of this variant in disease. Therefore, it has been classified as a Variant of Uncertain Significance.

Ambry Genetics
Classification: Uncertain significance. Last evaluated: 2022-07-26. Review status: criteria provided, single submitter. Criteria: Ambry Variant Classification Scheme 2023. Collection method: clinical testing. Allele origin: germline.

NM_002161.6(IARS1):c.9A>C (p.Gln3His)

Gene: IARS1 (isoleucyl-tRNA synthetase 1; minus strand). Cytogenetic location: 9q22.31.
Variant type: single nucleotide variant.
Coding change: c.9A>C on transcript NM_002161.6 (MANE Select); coding-DNA position 9, A replaced by C.
Protein change: p.Gln3His; replaces glutamine 3 with histidine.
Molecular consequence: missense variant. On other transcripts: non-coding transcript variant (1).
Genome position (GRCh38, 1-based): chr9:92,289,411, T>G on the plus strand (A>C on the coding strand, the complement: IARS1 is on the minus strand). VCF-style: chr9-92289411-T-G. GRCh37 (hg19) VCF-style: chr9-95051693-T-G.
Other names: c.9A>C (NM_013417.2); c.9A>C, p.Gln3His (NM_001374299.1, NM_001374300.1, NM_001374301.1 and 17 more transcripts); short protein forms Q3H.
Identifiers: ClinVar variation 1981067 (VCV001981067.4), dbSNP rs370146889, ClinGen allele CA5123094.
Genomic context (GRCh38, chr9:92,289,411, plus strand): 5'-AGTCCAAAACTCCAAGATTTTCTCTTCTTCAGCAGGAAAATTTATGTTTTCTGGAACTTG[T>G]TGAAGCATTTTGTTGCTGCAAAAGAAATCAAATTTATTACTGTCAAAAGAGAAATCTAGG-3'
Protein context (NP_002152.2, residues 1-13): ML[Gln3His]QVPENINFPA